The following is an entry in ClinVar:

ClinVar aggregate classification (germline): Benign/Likely benign. Review status: criteria provided, multiple submitters, no conflicts (2 of 4 stars). 10 submissions from 10 submitters: Benign (2); Likely benign (4). 4 of the submissions do not count toward it. Last evaluated 2026-01-01.

Conditions:
Inborn genetic diseases. Identifiers: MedGen C0950123, MeSH D030342.
CUL4B-related disorder. Also called: CUL4B-related condition.
X-linked intellectual disability Cabezas type (MRXSC). Also called: Intellectual developmental disorder, X-linked syndromic, Cabezas type; CABEZAS SYNDROME; MENTAL RETARDATION, X-LINKED, SYNDROMIC 15. Identifiers: Orphanet 85289, Orphanet 85293, MedGen C1845861, MONDO:0010306, OMIM 300354.

Allele frequency attached by ClinVar (database versions not stated): ExAC 0.00019; gnomAD 0.00015 and 0.00013; ESP Exome Variant Server 0.00038; gnomAD exomes 0.00016 and 0.00015; TOPMed 0.00019.

Submissions (10):

CeGaT Center for Human Genetics Tuebingen
Classification: Likely benign. Last evaluated: 2026-01-01. Review status: criteria provided, single submitter. Criteria: CeGaT Center For Human Genetics Tuebingen Variant Classification Criteria Version 2. Collection method: clinical testing. Allele origin: germline. Affected: yes. Observed: 2 variant alleles.
Comment: CUL4B: BP4, BS2

Labcorp Genetics (formerly Invitae), Labcorp
Classification: Benign for X-linked intellectual disability Cabezas type. Last evaluated: 2025-12-16. Review status: criteria provided, single submitter. Criteria: Invitae Variant Classification Sherloc (09022015). Collection method: clinical testing. Allele origin: germline.

Blueprint Genetics
Classification: Likely benign. Last evaluated: 2024-11-14. Review status: criteria provided, single submitter. Criteria: ACMG Guidelines, 2015. Collection method: clinical testing. Allele origin: germline.

Ambry Genetics
Classification: Benign for Inborn genetic diseases. Last evaluated: 2017-07-28. Review status: criteria provided, single submitter. Criteria: Ambry Variant Classification Scheme 2023. Collection method: clinical testing. Allele origin: germline.

GeneDx
Classification: Likely benign. Last evaluated: 2016-06-07. Review status: criteria provided, single submitter. Criteria: GeneDx Variant Classification (06012015). Collection method: clinical testing. Allele origin: germline. Affected: yes.
Comment: This variant is considered likely benign or benign based on one or more of the following criteria: it is a conservative change, it occurs at a poorly conserved position in the protein, it is predicted to be benign by multiple in silico algorithms, and/or has population frequency not consistent with disease.

Breakthrough Genomics
Classification: Likely benign. Review status: criteria provided, single submitter. Criteria: ACMG Guidelines, 2015. Collection method: not provided. Allele origin: germline. Inheritance: X-linked inheritance. Affected: yes.

PreventionGenetics, part of Exact Sciences
Classification: Likely benign for CUL4B-related condition. Last evaluated: 2021-07-19. Review status: no assertion criteria provided. Collection method: clinical testing. Allele origin: germline. Not counted in ClinVar's aggregate classification.
Comment: This variant is classified as likely benign based on ACMG/AMP sequence variant interpretation guidelines (Richards et al. 2015 PMID: 25741868, with internal and published modifications).

Clinical Genetics DNA and cytogenetics Diagnostics Lab, Erasmus MC, Erasmus Medical Center
Classification: Likely benign. Review status: no assertion criteria provided. Collection method: clinical testing. Allele origin: germline. Affected: yes. Study: VKGL Data-share Consensus. Not counted in ClinVar's aggregate classification.

Genome Diagnostics Laboratory, University Medical Center Utrecht
Classification: Likely benign. Review status: no assertion criteria provided. Collection method: clinical testing. Allele origin: germline. Affected: yes. Study: VKGL Data-share Consensus. Not counted in ClinVar's aggregate classification.

Laboratory of Diagnostic Genome Analysis, Leiden University Medical Center (LUMC)
Classification: Likely benign. Review status: no assertion criteria provided. Collection method: clinical testing. Allele origin: germline. Affected: yes. Study: VKGL Data-share Consensus. Not counted in ClinVar's aggregate classification.

NM_003588.4(CUL4B):c.26G>A (p.Gly9Glu)

Gene: CUL4B (cullin 4B; minus strand). Cytogenetic location: Xq24.
Variant type: single nucleotide variant.
Coding change: c.26G>A on transcript NM_003588.4; coding-DNA position 26, G replaced by A.
Protein change: p.Gly9Glu; replaces glycine 9 with glutamic acid.
Molecular consequence: missense variant.
Genome position (GRCh38, 1-based): chrX:120,574,592, C>T on the plus strand (G>A on the coding strand, the complement: CUL4B is on the minus strand). VCF-style: chrX-120574592-C-T. GRCh37 (hg19) VCF-style: chrX-119708447-C-T.
Other names: short protein forms G9E.
Identifiers: ClinVar variation 386761 (VCV000386761.35), dbSNP rs149016283, ClinGen allele CA10505805.
Genomic context (GRCh38, chrX:120,574,592, plus strand): 5'-TACTAGTTCATTTACTCACCACCGTCTTTAGAGGTAGTAGCCTCATCATCATTCCCATCT[C>T]CTGATCCAGATGACTGTGACATCATCCGTCCTTTGGGTCTACGATAGAAAACAGAGAATT-3'